The following is an entry in ClinVar:

NM_001128178.3(NPHP1):c.681T>G (p.Asp227Glu)

Gene: NPHP1 (nephrocystin 1; minus strand). Cytogenetic location: 2q13.
Variant type: single nucleotide variant.
Coding change: c.681T>G on transcript NM_001128178.3 (MANE Select); coding-DNA position 681, T replaced by G.
Protein change: p.Asp227Glu; replaces aspartic acid 227 with glutamic acid.
Molecular consequence: missense variant.
Genome position (GRCh38, 1-based): chr2:110,165,099, A>C on the plus strand (T>G on the coding strand, the complement: NPHP1 is on the minus strand). VCF-style: chr2-110165099-A-C. GRCh37 (hg19) VCF-style: chr2-110922676-A-C.
Other names: c.681T>G, p.Asp227Glu (NM_000272.5, NM_001374256.1, NM_001374257.1 and 1 more transcripts); c.495T>G, p.Asp165Glu (NM_001128179.3); short protein forms D227E, D165E.
Identifiers: ClinVar variation 1363512 (VCV001363512.8), dbSNP rs2104561993, ClinGen allele CA348092197.

ClinVar aggregate classification (germline): Uncertain significance (1 of 4 stars; one submission).

Conditions:
Nephronophthisis. Also called: Juvenile Nephronophthisis. Identifiers: Orphanet 655, MedGen C0687120, MONDO:0019005, HP:0000090.

Submission:

Labcorp Genetics (formerly Invitae), Labcorp
Classification: Uncertain significance for Nephronophthisis. Last evaluated: 2023-05-22. Review status: criteria provided, single submitter. Criteria: Invitae Variant Classification Sherloc (09022015). Collection method: clinical testing. Allele origin: germline.
Comment: This sequence change replaces aspartic acid, which is acidic and polar, with glutamic acid, which is acidic and polar, at codon 227 of the NPHP1 protein (p.Asp227Glu). This variant is not present in population databases (gnomAD no frequency). This variant has not been reported in the literature in individuals affected with NPHP1-related conditions. ClinVar contains an entry for this variant (Variation ID: 1363512). Advanced modeling of protein sequence and biophysical properties (such as structural, functional, and spatial information, amino acid conservation, physicochemical variation, residue mobility, and thermodynamic stability) performed at Invitae indicates that this missense variant is not expected to disrupt NPHP1 protein function. In summary, the available evidence is currently insufficient to determine the role of this variant in disease. Therefore, it has been classified as a Variant of Uncertain Significance.